The following is an entry in ClinVar:

ClinVar aggregate classification (germline): Uncertain significance (1 of 4 stars; one submission).

gnomAD v4.1: 4 of 1,614,024 alleles (0.00025%); highest among the groups gnomAD compares: Non-Finnish European, 0.00034%; no homozygotes.

Submission:

Women's Health and Genetics/Laboratory Corporation of America, LabCorp
Classification: Uncertain significance. Last evaluated: 2025-02-28. Review status: criteria provided, single submitter. Criteria: LabCorp Variant Classification Summary - May 2015. Collection method: clinical testing. Allele origin: germline.
Comment: Variant summary: OTOA c.1865T>A (p.Leu622His) results in a non-conservative amino acid change in the encoded protein sequence. Five of five in-silico tools predict a damaging effect of the variant on protein function. The variant allele was found at a frequency of 4e-06 in 251366 control chromosomes (gnomAD). c.1865T>A has been reported in the literature in individuals affected with hearing loss (Fontana_2017). These data indicate that the variant may be associated with disease. To our knowledge, no experimental evidence demonstrating an impact on protein function has been reported. The following publications have been ascertained in the context of this evaluation (PMID: 30622556, 31527525). No submitters have cited clinical-significance assessments for this variant to ClinVar. Based on the evidence outlined above, the variant was classified as VUS-possibly pathogenic.

Literature cited by the submitters: PubMed 30622556; PubMed 31527525.

NM_144672.4(OTOA):c.1865T>A (p.Leu622His)

Gene: OTOA (otoancorin). Cytogenetic location: 16p12.2.
Variant type: single nucleotide variant.
Coding change: c.1865T>A on transcript NM_144672.4 (MANE Select); coding-DNA position 1865, T replaced by A.
Protein change: p.Leu622His; replaces leucine 622 with histidine.
Molecular consequence: missense variant.
Genome position (GRCh38, 1-based): chr16:21,722,963, T>A. VCF-style: chr16-21722963-T-A. GRCh37 (hg19) VCF-style: chr16-21734284-T-A.
Other names: c.1628T>A, p.Leu543His (NM_001161683.2); c.893T>A, p.Leu298His (NM_170664.3); short protein forms L298H, L543H, L622H.
Identifiers: ClinVar variation 3768639 (VCV003768639.1).
Genomic context (GRCh38, chr16:21,722,963, plus strand): 5'-AGGTTAATTGTTTGGCGTGGAAATACTGGGAAGTTTCCAGATTGTCTATGCCACCTTTCC[T>A]CTTGGCTGCACTCCCGTAAGTGAACATCAGCCCCCACCTTCTGGCTCATCAGTGAGATCG-3'
Protein context (NP_653273.3, residues 612-632): EVSRLSMPPF[Leu622His]LAALPARYLA